The following is an entry in ClinVar:

ClinVar aggregate classification (germline): Uncertain significance. Review status: criteria provided, multiple submitters, no conflicts (2 of 4 stars). 3 submissions from 3 submitters: Uncertain significance (3). Last evaluated 2024-07-17.

Conditions:
Short-rib thoracic dysplasia 18 with polydactyly. Identifiers: MedGen C4693420, MONDO:0036483, OMIM 617866.
Retinitis pigmentosa 81 (RP81). Identifiers: MedGen C4693443, MONDO:0036482, OMIM 617871.
Cranioectodermal dysplasia 3 (CED3). Identifiers: Orphanet 1515, MedGen C3279807, MONDO:0013573, OMIM 614099.

Allele frequency attached by ClinVar (database versions not stated): ExAC 0.00001; gnomAD exomes 0.00001 and 0.00005; gnomAD 0.00002; TOPMed 0.00003.
gnomAD v4.1: 72 of 1,614,062 alleles (0.0045%); highest among the groups gnomAD compares: Non-Finnish European, 0.0059%; no homozygotes.

Submissions (3):

Ambry Genetics
Classification: Uncertain significance. Last evaluated: 2024-07-17. Review status: criteria provided, single submitter. Criteria: Ambry Variant Classification Scheme 2023. Collection method: clinical testing. Allele origin: germline.

Labcorp Genetics (formerly Invitae), Labcorp
Classification: Uncertain significance. Last evaluated: 2022-09-13. Review status: criteria provided, single submitter. Criteria: Invitae Variant Classification Sherloc (09022015). Collection method: clinical testing. Allele origin: germline.
Comment: This sequence change replaces lysine, which is basic and polar, with arginine, which is basic and polar, at codon 78 of the IFT43 protein (p.Lys78Arg). This variant is present in population databases (rs755977535, gnomAD 0.004%). This variant has not been reported in the literature in individuals affected with IFT43-related conditions. ClinVar contains an entry for this variant (Variation ID: 836397). Algorithms developed to predict the effect of missense changes on protein structure and function (SIFT, PolyPhen-2, Align-GVGD) all suggest that this variant is likely to be tolerated. In summary, the available evidence is currently insufficient to determine the role of this variant in disease. Therefore, it has been classified as a Variant of Uncertain Significance.

Fulgent Genetics
Classification: Uncertain significance for Cranioectodermal dysplasia 3; Short-rib thoracic dysplasia 18 with polydactyly; Retinitis pigmentosa 81. Last evaluated: 2022-02-10. Review status: criteria provided, single submitter. Criteria: ACMG Guidelines, 2015. Collection method: clinical testing. Allele origin: unknown.

NM_001102564.3(IFT43):c.296-5681A>G

Gene: IFT43 (intraflagellar transport 43; plus strand). Cytogenetic location: 14q24.3.
Variant type: single nucleotide variant.
Coding change: c.296-5681A>G on transcript NM_001102564.3 (MANE Select); 5681 bases into the intron before coding-DNA position 296, A replaced by G.
Molecular consequence: intron variant. On other transcripts: missense variant (1).
Genome position (GRCh38, 1-based): chr14:76,076,614, A>G. VCF-style: chr14-76076614-A-G. GRCh37 (hg19) VCF-style: chr14-76542957-A-G.
Other names: c.233A>G, p.Lys78Arg (NM_052873.3); short protein forms K78R.
Identifiers: ClinVar variation 836397 (VCV000836397.9), dbSNP rs755977535, ClinGen allele CA7280790.